The following is an entry in ClinVar:

ClinVar aggregate classification (germline): Likely pathogenic. Review status: reviewed by expert panel (3 of 4 stars). 4 submissions from 4 submitters: Likely pathogenic (1). 3 of the submissions do not count toward it. Last evaluated 2020-07-23.

Conditions:
Phenylketonuria (PKU). Also called: Phenylketonuria (PKU); FOLLING DISEASE; OLIGOPHRENIA PHENYLPYRUVICA; Phenylketonurias. Identifiers: Orphanet 716, MedGen C0031485, MONDO:0009861, OMIM 261600. Disease mechanism: loss of function.

Submissions (4):

ClinGen PAH Variant Curation Expert Panel
Classification: Likely pathogenic for Phenylketonuria. Last evaluated: 2020-07-23. Review status: reviewed by expert panel. Criteria: ClinGen PAH ACMG Specifications v1. Collection method: curation. Allele origin: germline. Inheritance: Autosomal recessive inheritance.
Comment: The c.1229T>G (p.Phe410Cys) variant in PAH has been detected in two Portuguese patients with moderate PKU (serum Phe = 6.6mg/dL and 15.0mg/dL); BH4 deficiency excluded via urinary pterin analysis (PMID N/A - linked article; PP4_Moderate). This variant was detected with L249F (reported as Pathogenic in ClinVar; VarID:102821; 7 submitters) and R270K (reported as Pathogenic in ClinVar; VarID:102846; 5 submitters) - phase not confirmed - 1.0 points (PMID N/A - linked article; PM3). This variant is absent from population databases (PM2). This variant is predicted deleterious by SIFT, PolyPhen2, MutationTaster, and REVEL = 0.99. In summary, this variant meets criteria to be classified as Likely Pathogenic for PAH. PAH-specific ACMG/AMP criteria applied: PM2, PP4_Moderate, PM3, PP3.

Dasa
Classification: Likely pathogenic. Last evaluated: 2026-02-26. Review status: criteria provided, single submitter. Criteria: DASA Assertion Criteria. Collection method: clinical testing. Allele origin: germline. Not counted in ClinVar's aggregate classification.
Comment: NM_000277.3(PAH):c.1229T>G (p.Phe410Cys) is a missense variant that results in the substitution of phenylalanine with cysteine. The affected residue or protein region has prior evidence supporting clinical relevance. This variant has been recurrently observed in individuals with PAH-related disorders (PMID: 33465300; PMID: 23357515). Also, this variant is rare in population databases. Computational evidence supports a deleterious effect. Based on the currently available evidence, this variant is classified as likely pathogenic.

Labcorp Genetics (formerly Invitae), Labcorp
Classification: Likely pathogenic for Phenylketonuria. Last evaluated: 2021-08-17. Review status: criteria provided, single submitter. Criteria: Invitae Variant Classification Sherloc (09022015). Collection method: clinical testing. Allele origin: germline. Not counted in ClinVar's aggregate classification.
Comment: In summary, the currently available evidence indicates that the variant is pathogenic, but additional data are needed to prove that conclusively. Therefore, this variant has been classified as Likely Pathogenic. This variant disrupts the p.Phe410 amino acid residue in PAH. Other variant(s) that disrupt this residue have been determined to be pathogenic (PMID: 10679941, 26542770). This suggests that this residue is clinically significant, and that variants that disrupt this residue are likely to be disease-causing. Advanced modeling of protein sequence and biophysical properties (such as structural, functional, and spatial information, amino acid conservation, physicochemical variation, residue mobility, and thermodynamic stability) performed at Invitae indicates that this missense variant is expected to disrupt PAH protein function. ClinVar contains an entry for this variant (Variation ID: 102572). This missense change has been observed in individual(s) with clinical features of PAH-related conditions (PMID: 18798839). This variant is not present in population databases (ExAC no frequency). This sequence change replaces phenylalanine with cysteine at codon 410 of the PAH protein (p.Phe410Cys). The phenylalanine residue is highly conserved and there is a large physicochemical difference between phenylalanine and cysteine.

DeBelle Laboratory for Biochemical Genetics, MUHC/MCH RESEARCH INSTITUTE
No classification provided. Review status: no classification provided. Collection method: not provided. Allele origin: not provided. Not counted in ClinVar's aggregate classification.

Literature cited by the submitters: PubMed 18798839 (cited by 3 submitters); PubMed 33465300 (cited by Dasa); PubMed 23357515 (cited by Dasa); PubMed 16755493 (cited by Dasa); PubMed 10679941 (cited by Labcorp Genetics (formerly Invitae), Labcorp); PubMed 26542770 (cited by Labcorp Genetics (formerly Invitae), Labcorp).

NM_000277.3(PAH):c.1229T>G (p.Phe410Cys)

Gene: PAH (phenylalanine hydroxylase; minus strand). Cytogenetic location: 12q23.2.
Variant type: single nucleotide variant.
Coding change: c.1229T>G on transcript NM_000277.3 (MANE Select); coding-DNA position 1229, T replaced by G.
Protein change: p.Phe410Cys; replaces phenylalanine 410 with cysteine.
Molecular consequence: missense variant.
Genome position (GRCh38, 1-based): chr12:102,840,486, A>C on the plus strand (T>G on the coding strand, the complement: PAH is on the minus strand). VCF-style: chr12-102840486-A-C. GRCh37 (hg19) VCF-style: chr12-103234264-A-C.
Other names: c.1229T>G, p.Phe410Cys (NM_001354304.2); short protein forms F410C.
Identifiers: ClinVar variation 102572 (VCV000102572.9), dbSNP rs62644475, ClinGen allele CA229406.